The following is an entry in ClinVar:

ClinVar aggregate classification (germline): Uncertain significance. Review status: criteria provided, multiple submitters, no conflicts (2 of 4 stars). 2 submissions from 2 submitters: Uncertain significance (2). Last evaluated 2024-02-28.

Conditions:
Hereditary cancer-predisposing syndrome. Also called: Neoplastic Syndromes, Hereditary; Tumor predisposition; Hereditary neoplastic syndrome; Hereditary Cancer Syndrome. Identifiers: Orphanet 140162, MedGen C0027672, MeSH D009386, MONDO:0015356.
Neuroblastoma, susceptibility to, 3. Also called: ALK-Related Neuroblastic Tumor Susceptibility. Identifiers: Orphanet 635, MedGen C2751681, MONDO:0013083, OMIM 613014.

Submissions (2):

Ambry Genetics
Classification: Uncertain significance for Hereditary cancer-predisposing syndrome. Last evaluated: 2024-02-28. Review status: criteria provided, single submitter. Criteria: Ambry Variant Classification Scheme 2023. Collection method: clinical testing. Allele origin: germline.
Comment: The p.E576Q variant (also known as c.1726G>C), located in coding exon 9 of the ALK gene, results from a G to C substitution at nucleotide position 1726. The glutamic acid at codon 576 is replaced by glutamine, an amino acid with highly similar properties. This amino acid position is conserved. In addition, this alteration is predicted to be tolerated by in silico analysis. Based on the available evidence, the clinical significance of this alteration remains unclear.

Labcorp Genetics (formerly Invitae), Labcorp
Classification: Uncertain significance for Neuroblastoma, susceptibility to, 3. Last evaluated: 2023-02-15. Review status: criteria provided, single submitter. Criteria: Invitae Variant Classification Sherloc (09022015). Collection method: clinical testing. Allele origin: germline.
Comment: This sequence change replaces glutamic acid, which is acidic and polar, with glutamine, which is neutral and polar, at codon 576 of the ALK protein (p.Glu576Gln). This variant is not present in population databases (gnomAD no frequency). This variant has not been reported in the literature in individuals affected with ALK-related conditions. An algorithm developed to predict the effect of missense changes on protein structure and function (PolyPhen-2) suggests that this variant is likely to be disruptive. In summary, the available evidence is currently insufficient to determine the role of this variant in disease. Therefore, it has been classified as a Variant of Uncertain Significance.

NM_004304.5(ALK):c.1726G>C (p.Glu576Gln)

Gene: ALK (ALK receptor tyrosine kinase; minus strand). Cytogenetic location: 2p23.2.
Variant type: single nucleotide variant.
Coding change: c.1726G>C on transcript NM_004304.5 (MANE Select); coding-DNA position 1726, G replaced by C.
Protein change: p.Glu576Gln; replaces glutamic acid 576 with glutamine.
Molecular consequence: missense variant.
Genome position (GRCh38, 1-based): chr2:29,296,979, C>G on the plus strand (G>C on the coding strand, the complement: ALK is on the minus strand). VCF-style: chr2-29296979-C-G. GRCh37 (hg19) VCF-style: chr2-29519845-C-G.
Other names: c.1726G>C (NM_004304.4); short protein forms E576Q.
Identifiers: ClinVar variation 1913746 (VCV001913746.6), dbSNP rs750740789, ClinGen allele CA346466296.